The following is an entry in ClinVar:

ClinVar aggregate classification (germline): Uncertain significance (1 of 4 stars; one submission).

Allele frequency attached by ClinVar (database versions not stated): gnomAD exomes below 0.00001; TOPMed below 0.00001; gnomAD 0.00001.
gnomAD v4.1: 3 of 1,609,700 alleles (0.00019%); highest among the groups gnomAD compares: Non-Finnish European, 0.00025%; no homozygotes.

Submission:

Labcorp Genetics (formerly Invitae), Labcorp
Classification: Uncertain significance. Last evaluated: 2021-06-06. Review status: criteria provided, single submitter. Criteria: Invitae Variant Classification Sherloc (09022015). Collection method: clinical testing. Allele origin: germline.
Comment: This sequence change replaces glycine with valine at codon 462 of the PROM1 protein (p.Gly462Val). The glycine residue is highly conserved and there is a moderate physicochemical difference between glycine and valine. This variant is not present in population databases (ExAC no frequency). This variant has not been reported in the literature in individuals with PROM1-related conditions. Algorithms developed to predict the effect of missense changes on protein structure and function are either unavailable or do not agree on the potential impact of this missense change (SIFT: "Deleterious"; PolyPhen-2: "Probably Damaging"; Align-GVGD: "Class C0"). In summary, the available evidence is currently insufficient to determine the role of this variant in disease. Therefore, it has been classified as a Variant of Uncertain Significance.

NM_006017.3(PROM1):c.1385G>T (p.Gly462Val)

Gene: PROM1 (prominin 1; minus strand). Cytogenetic location: 4p15.32.
Variant type: single nucleotide variant.
Coding change: c.1385G>T on transcript NM_006017.3 (MANE Select); coding-DNA position 1385, G replaced by T.
Protein change: p.Gly462Val; replaces glycine 462 with valine.
Molecular consequence: missense variant.
Genome position (GRCh38, 1-based): chr4:16,006,607, C>A on the plus strand (G>T on the coding strand, the complement: PROM1 is on the minus strand). VCF-style: chr4-16006607-C-A. GRCh37 (hg19) VCF-style: chr4-16008230-C-A.
Other names: c.1358G>T, p.Gly453Val (NM_001145847.2, NM_001145848.2, NM_001145851.2 and 4 more transcripts); c.1385G>T, p.Gly462Val (NM_001145849.2, NM_001145850.2); short protein forms G462V, G453V.
Identifiers: ClinVar variation 1466088 (VCV001466088.8), dbSNP rs1209718198, ClinGen allele CA356435332.
Genomic context (GRCh38, chr4:16,006,607, plus strand): 5'-AAGACGCCTCCGGTGTTGGAGACACAGCCTCGGGTGGTCGGGGTGGCATGCCTGTCATAG[C>A]CGCACACGCCACACAGTAAGCCCAGGTAGTAAAAAATCACGATGAGGGTCAGCAGAGAGC-3'
Protein context (NP_006008.1, residues 452-472): YYLGLLCGVC[Gly462Val]YDRHATPTTR